The following is an entry in ClinVar:

NM_000069.3(CACNA1S):c.1829T>C (p.Val610Ala)

Gene: CACNA1S (calcium voltage-gated channel subunit alpha1 S; minus strand). Cytogenetic location: 1q32.1.
Variant type: single nucleotide variant.
Coding change: c.1829T>C on transcript NM_000069.3 (MANE Select); coding-DNA position 1829, T replaced by C.
Protein change: p.Val610Ala; replaces valine 610 with alanine.
Molecular consequence: missense variant.
Genome position (GRCh38, 1-based): chr1:201,075,614, A>G on the plus strand (T>C on the coding strand, the complement: CACNA1S is on the minus strand). VCF-style: chr1-201075614-A-G. GRCh37 (hg19) VCF-style: chr1-201044742-A-G.
Other names: short protein forms V610A.
Identifiers: ClinVar variation 2417968 (VCV002417968.5), dbSNP rs750305719, ClinGen allele CA078620.

ClinVar aggregate classification (germline): Uncertain significance (1 of 4 stars; one submission).

Conditions:
Malignant hyperthermia, susceptibility to, 5 (MHS5). Also called: CACNA1S-Related Malignant Hyperthermia Susceptibility. Identifiers: Orphanet 423, MedGen C1866077, MONDO:0011163, OMIM 601887.
Hypokalemic periodic paralysis, type 1. Also called: HypoPP; Hypokalemic Periodic Paralysis Type 1 (AD). Identifiers: Orphanet 681, MedGen C3714580, MONDO:0042979, OMIM 170400.

Allele frequency attached by ClinVar (database versions not stated): ExAC 0.00002.
gnomAD v4.1: 2 of 1,614,086 alleles (0.00012%); highest among the groups gnomAD compares: South Asian, 0.0022%; no homozygotes.

Submission:

Labcorp Genetics (formerly Invitae), Labcorp
Classification: Uncertain significance for Hypokalemic periodic paralysis, type 1; Malignant hyperthermia, susceptibility to, 5. Last evaluated: 2022-03-13. Review status: criteria provided, single submitter. Criteria: Invitae Variant Classification Sherloc (09022015). Collection method: clinical testing. Allele origin: germline.
Comment: This sequence change replaces valine, which is neutral and non-polar, with alanine, which is neutral and non-polar, at codon 610 of the CACNA1S protein (p.Val610Ala). In summary, the available evidence is currently insufficient to determine the role of this variant in disease. Therefore, it has been classified as a Variant of Uncertain Significance. Algorithms developed to predict the effect of missense changes on protein structure and function (SIFT, PolyPhen-2, Align-GVGD) all suggest that this variant is likely to be disruptive. This variant has not been reported in the literature in individuals affected with CACNA1S-related conditions. This variant is present in population databases (rs750305719, gnomAD 0.003%).